The following is an entry in ClinVar:

NM_018230.3(NUP133):c.223G>A (p.Glu75Lys)

Gene: NUP133 (nucleoporin 133; minus strand). Cytogenetic location: 1q42.13.
Variant type: single nucleotide variant.
Coding change: c.223G>A on transcript NM_018230.3 (MANE Select); coding-DNA position 223, G replaced by A.
Protein change: p.Glu75Lys; replaces glutamic acid 75 with lysine.
Molecular consequence: missense variant.
Genome position (GRCh38, 1-based): chr1:229,506,118, C>T on the plus strand (G>A on the coding strand, the complement: NUP133 is on the minus strand). VCF-style: chr1-229506118-C-T. GRCh37 (hg19) VCF-style: chr1-229641865-C-T.
Other names: short protein forms E75K.
Identifiers: ClinVar variation 2787640 (VCV002787640.3), dbSNP rs906090860, ClinGen allele CA38826312.

ClinVar aggregate classification (germline): Uncertain significance (1 of 4 stars; one submission).

Allele frequency attached by ClinVar (database versions not stated): gnomAD exomes below 0.00001; TOPMed 0.00001.
gnomAD v4.1: 2 of 1,613,316 alleles (0.00012%); highest among the groups gnomAD compares: Admixed American, 0.0033%; no homozygotes.

Submission:

Labcorp Genetics (formerly Invitae), Labcorp
Classification: Uncertain significance. Last evaluated: 2022-12-05. Review status: criteria provided, single submitter. Criteria: Invitae Variant Classification Sherloc (09022015). Collection method: clinical testing. Allele origin: germline.
Comment: Algorithms developed to predict the effect of missense changes on protein structure and function are either unavailable or do not agree on the potential impact of this missense change (SIFT: "Tolerated"; PolyPhen-2: "Probably Damaging"; Align-GVGD: "Class C0"). In summary, the available evidence is currently insufficient to determine the role of this variant in disease. Therefore, it has been classified as a Variant of Uncertain Significance. This variant has not been reported in the literature in individuals affected with NUP133-related conditions. This variant is present in population databases (no rsID available, gnomAD 0.003%). This sequence change replaces glutamic acid, which is acidic and polar, with lysine, which is basic and polar, at codon 75 of the NUP133 protein (p.Glu75Lys).